The following is an entry in ClinVar:

NM_000550.3(TYRP1):c.1558C>A (p.Gln520Lys)

Genes: LURAP1L-AS1 (LURAP1L antisense RNA 1; minus strand), TYRP1 (tyrosinase related protein 1; plus strand). Cytogenetic location: 9p23.
Variant type: single nucleotide variant.
Coding change: c.1558C>A on transcript NM_000550.3 (MANE Select); coding-DNA position 1558, C replaced by A.
Protein change: p.Gln520Lys; replaces glutamine 520 with lysine.
Molecular consequence: missense variant.
Genome position (GRCh38, 1-based): chr9:12,709,126, C>A. VCF-style: chr9-12709126-C-A. GRCh37 (hg19) VCF-style: chr9-12709126-C-A.
Other names: short protein forms Q520K.
Identifiers: ClinVar variation 1450909 (VCV001450909.3), dbSNP rs142019860, ClinGen allele CA4985622.
Genomic context (GRCh38, chr9:12,709,126, plus strand): 5'-CTGATTCGTGCCAGACGCAGTATGGATGAAGCTAACCAGCCTCTCCTCACTGATCAGTAT[C>A]AATGCTATGCTGAAGAATATGAAAAACTCCAGAATCCTAATCAGTCTGTGGTCTAACAAA-3'
Protein context (NP_000541.1, residues 510-530): ANQPLLTDQY[Gln520Lys]CYAEEYEKLQ

ClinVar aggregate classification (germline): Uncertain significance (1 of 4 stars; one submission).

Allele frequency attached by ClinVar (database versions not stated): gnomAD exomes below 0.00001 and 0.00002; ExAC 0.00002; gnomAD 0.00002 and 0.00004; TOPMed 0.00006; ESP Exome Variant Server 0.00015.

Submission:

Labcorp Genetics (formerly Invitae), Labcorp
Classification: Uncertain significance. Last evaluated: 2021-09-24. Review status: criteria provided, single submitter. Criteria: Invitae Variant Classification Sherloc (09022015). Collection method: clinical testing. Allele origin: germline.
Comment: This sequence change replaces glutamine with lysine at codon 520 of the TYRP1 protein (p.Gln520Lys). The glutamine residue is moderately conserved and there is a small physicochemical difference between glutamine and lysine. This variant is present in population databases (rs142019860, ExAC 0.03%). This variant has not been reported in the literature in individuals affected with TYRP1-related conditions. Algorithms developed to predict the effect of missense changes on protein structure and function (SIFT, PolyPhen-2, Align-GVGD) all suggest that this variant is likely to be tolerated. In summary, the available evidence is currently insufficient to determine the role of this variant in disease. Therefore, it has been classified as a Variant of Uncertain Significance.